The following is an entry in ClinVar:

ClinVar aggregate classification (germline): Likely pathogenic (1 of 4 stars; one submission).

Conditions:
Cystic fibrosis (CF). Also called: MUCOVISCIDOSIS. Identifiers: Orphanet 586, MedGen C0010674, MONDO:0009061, OMIM 219700. Disease mechanism: loss of function.

Submission:

Institute of Human Genetics, University of Leipzig Medical Center
Classification: Likely pathogenic for Cystic fibrosis. Last evaluated: 2023-07-26. Review status: criteria provided, single submitter. Criteria: ACMG Guidelines, 2015. Collection method: curation. Allele origin: unknown. Affected: yes. Observed: 1 variant allele.
Comment: This variant was classified based on the report of 1 patient with a clinically confirmed diagnosis of cystic fibrosis in the context of re-classifying variants in the German Cystic Fibrosis Registry (Muko e.V.). Patients have not been seen personally, but only reports were evaluated. Criteria applied:PVS1, PM2_SUP

NM_000492.4(CFTR):c.2909-2A>T

Genes: CFTR (CF transmembrane conductance regulator; plus strand), CFTR-AS2 (CFTR antisense RNA 2; minus strand). Cytogenetic location: 7q31.2.
Variant type: single nucleotide variant.
Coding change: c.2909-2A>T on transcript NM_000492.4 (MANE Select); the canonical splice acceptor site of the intron before coding-DNA position 2909, A replaced by T.
Molecular consequence: splice acceptor variant.
Genome position (GRCh38, 1-based): chr7:117,606,672, A>T. VCF-style: chr7-117606672-A-T. GRCh37 (hg19) VCF-style: chr7-117246726-A-T.
Identifiers: ClinVar variation 2579746 (VCV002579746.1), dbSNP rs1215272332, ClinGen allele CA368988835.
Genomic context (GRCh38, chr7:117,606,672, plus strand): 5'-ATATTGATATATCTTTAAAAAATTAGTGTTTTTTGAGGAATTTGTCATCTTGTATATTAT[A>T]GGTGGGATTCTTAATAGATTCTCCAAAGATATAGCAATTTTGGATGACCTTCTGCCTCTT-3'